The following is an entry in ClinVar:

ClinVar aggregate classification (germline): Benign (1 of 4 stars; one submission).

gnomAD v4.1: 12,834 of 1,604,018 alleles (0.8%); highest among the groups gnomAD compares: Non-Finnish European, 1%; 55 homozygotes.

Submission:

CeGaT Center for Human Genetics Tuebingen
Classification: Benign. Last evaluated: 2025-05-01. Review status: criteria provided, single submitter. Criteria: CeGaT Center For Human Genetics Tuebingen Variant Classification Criteria Version 2. Collection method: clinical testing. Allele origin: germline. Affected: yes. Observed: 2 variant alleles.
Comment: CA6: BP4, BP7, BS1, BS2

NM_001215.4(CA6):c.897T>C (p.Ile299=)

Gene: CA6 (carbonic anhydrase 6; plus strand). Cytogenetic location: 1p36.23.
Variant type: single nucleotide variant.
Coding change: c.897T>C on transcript NM_001215.4 (MANE Select); coding-DNA position 897, T replaced by C.
Protein change: p.Ile299=; no amino-acid change (isoleucine 299 retained).
Molecular consequence: synonymous variant.
Genome position (GRCh38, 1-based): chr1:8,974,674, T>C. VCF-style: chr1-8974674-T-C. GRCh37 (hg19) VCF-style: chr1-9034733-T-C.
Other names: c.717T>C, p.Ile239= (NM_001270501.2); c.513T>C, p.Ile171= (NM_001270502.2).
Identifiers: ClinVar variation 3904821 (VCV003904821.10).